The following is an entry in ClinVar:

ClinVar aggregate classification (germline): Uncertain significance (1 of 4 stars; one submission).

Conditions:
Infantile-onset ascending hereditary spastic paralysis (IAHSP). Also called: Infantile-Onset Ascending Hereditary Spastic Paralysis (IAHSP); Autosomal Recessive Juvenile Amyotrophic Lateral Sclerosis. Identifiers: Orphanet 293168, MedGen C2931441, MONDO:0011797, OMIM 607225. Disease mechanism: loss of function.

Submission:

Labcorp Genetics (formerly Invitae), Labcorp
Classification: Uncertain significance for Infantile-onset ascending hereditary spastic paralysis. Last evaluated: 2021-06-04. Review status: criteria provided, single submitter. Criteria: Invitae Variant Classification Sherloc (09022015). Collection method: clinical testing. Allele origin: germline.
Comment: This sequence change replaces aspartic acid with glutamic acid at codon 1005 of the ALS2 protein (p.Asp1005Glu). The aspartic acid residue is highly conserved and there is a small physicochemical difference between aspartic acid and glutamic acid. This variant is not present in population databases (ExAC no frequency). This variant has not been reported in the literature in individuals with ALS2-related conditions. Algorithms developed to predict the effect of missense changes on protein structure and function (SIFT, PolyPhen-2, Align-GVGD) all suggest that this variant is likely to be tolerated, but these predictions have not been confirmed by published functional studies and their clinical significance is uncertain. In summary, the available evidence is currently insufficient to determine the role of this variant in disease. Therefore, it has been classified as a Variant of Uncertain Significance.

NM_020919.4(ALS2):c.3015T>G (p.Asp1005Glu)

Gene: ALS2 (alsin Rho guanine nucleotide exchange factor ALS2; minus strand). Cytogenetic location: 2q33.1.
Variant type: single nucleotide variant.
Coding change: c.3015T>G on transcript NM_020919.4 (MANE Select); coding-DNA position 3015, T replaced by G.
Protein change: p.Asp1005Glu; replaces aspartic acid 1005 with glutamic acid.
Molecular consequence: missense variant.
Genome position (GRCh38, 1-based): chr2:201,726,831, A>C on the plus strand (T>G on the coding strand, the complement: ALS2 is on the minus strand). VCF-style: chr2-201726831-A-C. GRCh37 (hg19) VCF-style: chr2-202591554-A-C.
Other names: short protein forms D1005E.
Identifiers: ClinVar variation 1355036 (VCV001355036.8), dbSNP rs2106006938, ClinGen allele CA350321390.